The following is an entry in ClinVar:

NM_000059.4(BRCA2):c.4375A>T (p.Asn1459Tyr)

Gene: BRCA2 (BRCA2 DNA repair associated; plus strand). Cytogenetic location: 13q13.1.
Variant type: single nucleotide variant.
Coding change: c.4375A>T on transcript NM_000059.4 (MANE Select); coding-DNA position 4375, A replaced by T.
Protein change: p.Asn1459Tyr; replaces asparagine 1459 with tyrosine.
Molecular consequence: missense variant.
Genome position (GRCh38, 1-based): chr13:32,338,730, A>T. VCF-style: chr13-32338730-A-T. GRCh37 (hg19) VCF-style: chr13-32912867-A-T.
Other names: c.4375A>T, p.Asn1459Tyr (NM_001406719.1, NM_001406720.1); short protein forms N1459Y.
Identifiers: ClinVar variation 1722003 (VCV001722003.10), dbSNP rs2072502681, ClinGen allele CA387781023.

ClinVar aggregate classification (germline): Conflicting classifications of pathogenicity. Review status: criteria provided, conflicting classifications (1 of 4 stars). 3 submissions from 3 submitters: Uncertain significance (2); Likely benign (1). Last evaluated 2025-06-18.

Conditions:
Hereditary cancer-predisposing syndrome. Also called: Neoplastic Syndromes, Hereditary; Tumor predisposition; Hereditary neoplastic syndrome; Hereditary Cancer Syndrome. Identifiers: Orphanet 140162, MedGen C0027672, MeSH D009386, MONDO:0015356.
Hereditary breast ovarian cancer syndrome. Also called: BRCA1- and BRCA2-Associated Hereditary Breast and Ovarian Cancer; Hereditary breast and ovarian cancer syndrome (HBOC); Hereditary breast and ovarian cancer syndrome; Hereditary breast and ovarian cancer; Hereditary breast and/or ovarian cancer syndrome; Breast and ovarian cancer. Identifiers: Orphanet 145, MedGen C0677776, MeSH D061325, MONDO:0003582. Disease mechanism: loss of function.

Allele frequency attached by ClinVar (database versions not stated): TOPMed below 0.00001.

Submissions (3):

Labcorp Genetics (formerly Invitae), Labcorp
Classification: Uncertain significance for Hereditary breast ovarian cancer syndrome. Last evaluated: 2025-06-18. Review status: criteria provided, single submitter. Criteria: Invitae Variant Classification Sherloc (09022015). Collection method: clinical testing. Allele origin: germline.
Comment: This sequence change replaces asparagine, which is neutral and polar, with tyrosine, which is neutral and polar, at codon 1459 of the BRCA2 protein (p.Asn1459Tyr). This variant is not present in population databases (gnomAD no frequency). This variant has not been reported in the literature in individuals affected with BRCA2-related conditions. ClinVar contains an entry for this variant (Variation ID: 1722003). Invitae Evidence Modeling of protein sequence and biophysical properties (such as structural, functional, and spatial information, amino acid conservation, physicochemical variation, residue mobility, and thermodynamic stability) indicates that this missense variant is not expected to disrupt BRCA2 protein function with a negative predictive value of 95%. In summary, the available evidence is currently insufficient to determine the role of this variant in disease. Therefore, it has been classified as a Variant of Uncertain Significance.

Ambry Genetics
Classification: Uncertain significance for Hereditary cancer-predisposing syndrome. Last evaluated: 2024-04-24. Review status: criteria provided, single submitter. Criteria: Ambry Variant Classification Scheme 2023. Collection method: clinical testing. Allele origin: germline.
Comment: The p.N1459Y variant (also known as c.4375A>T), located in coding exon 10 of the BRCA2 gene, results from an A to T substitution at nucleotide position 4375. The asparagine at codon 1459 is replaced by tyrosine, an amino acid with dissimilar properties. This amino acid position is not well conserved in available vertebrate species. In addition, this alteration is predicted to be tolerated by in silico analysis. Since supporting evidence is limited at this time, the clinical significance of this alteration remains unclear.

University of Washington Department of Laboratory Medicine, University of Washington
Classification: Likely benign for Hereditary cancer-predisposing syndrome. Last evaluated: 2023-03-23. Review status: criteria provided, single submitter. Criteria: Dines et al. (Genet Med. 2020). Collection method: curation. Allele origin: germline.
Comment: Missense variant in a coldspot region where missense variants are very unlikely to be pathogenic (PMID:31911673).

BRCA2 exon 11 coldspot. Reclassification based on statistical prior probability.